The following is an entry in ClinVar:

ClinVar aggregate classification (germline): Pathogenic (1 of 4 stars; one submission).

Conditions:
Polycystic kidney disease 2 (PKD2). Also called: Polycystic Kidney Disease 2, Autosomal Dominant; POLYCYSTIC KIDNEY DISEASE 2 WITH OR WITHOUT POLYCYSTIC LIVER DISEASE; POLYCYSTIC KIDNEY DISEASE, ADULT, TYPE II. Identifiers: MedGen C2751306, MONDO:0013131, OMIM 613095.

Submission:

MVZ Medizinische Genetik Mainz
Classification: Pathogenic for Polycystic kidney disease 2. Last evaluated: 2022-05-23. Review status: criteria provided, single submitter. Criteria: UK Practice Guidelines For Variant Classification V4 01 2020. Collection method: clinical testing. Allele origin: germline. Inheritance: Autosomal dominant inheritance. Affected: yes. Observed: 1 variant allele.
Comment: ACMG Criteria: PVS1, PM2_SUP, PP4 (ACMG Version 3)

NM_000297.4(PKD2):c.2532dup (p.Arg845fs)

Gene: PKD2 (polycystin 2, transient receptor potential cation channel; plus strand). Cytogenetic location: 4q22.1.
Variant type: Duplication.
Coding change: c.2532dup on transcript NM_000297.4 (MANE Select); coding-DNA position 2532, one base duplicated (A; older notation c.2532dupA).
Protein change: p.Arg845fs; shifts the reading frame from arginine 845.
Molecular consequence: frameshift variant. On other transcripts: non-coding transcript variant (1).
Genome position (GRCh38, 1-based): chr4:88,074,821, A duplicated. VCF-style (leftmost placement, unchanged base first): chr4-88074820-G-GA. GRCh37 (hg19) VCF-style: chr4-88995972-G-GA.
Other names: short protein forms R845fs.
Identifiers: ClinVar variation 3235975 (VCV003235975.1), dbSNP rs2476008728, ClinGen allele CA2825001313.
Genomic context (GRCh38, chr4:88,074,820, plus strand): 5'-TGAAAAGACAATGACAAGCACTTTGTCCCTCTGTACTGTGTTTTCCTTGCAGCCTGGTGA[G>GA]ACGAGTGGACCGGATGGAGCATTCCATCGGCAGCATAGTGTCCAAGATTGACGCCGTGAT-3'